The following is an entry in ClinVar:

ClinVar aggregate classification (germline): Uncertain significance (1 of 4 stars; one submission).

Allele frequency attached by ClinVar (database versions not stated): ExAC 0.00001; gnomAD exomes 0.00002; gnomAD 0.00003; TOPMed 0.00003.
gnomAD v4.1: 20 of 1,207,660 alleles (0.0017%); highest among the groups gnomAD compares: Non-Finnish European, 0.0015%; no homozygotes.

Submission:

CeGaT Center for Human Genetics Tuebingen
Classification: Uncertain significance. Last evaluated: 2023-10-01. Review status: criteria provided, single submitter. Criteria: CeGaT Center For Human Genetics Tuebingen Variant Classification Criteria Version 2. Collection method: clinical testing. Allele origin: germline. Affected: yes. Observed: 1 variant allele.
Comment: ATP11C: PM2, BP4

NM_001353812.2(ATP11C):c.28-5335C>T

Gene: ATP11C (ATPase phospholipid transporting 11C (ATP11C blood group); minus strand). Cytogenetic location: Xq27.1.
Variant type: single nucleotide variant.
Coding change: c.28-5335C>T on transcript NM_001353812.2 (MANE Select); 5335 bases into the intron before coding-DNA position 28, C replaced by T.
Molecular consequence: intron variant. On other transcripts: missense variant (2).
Genome position (GRCh38, 1-based): chrX:139,832,158, G>A on the plus strand (C>T on the coding strand, the complement: ATP11C is on the minus strand). VCF-style: chrX-139832158-G-A. GRCh37 (hg19) VCF-style: chrX-138914317-G-A.
Other names: c.32C>T, p.Ser11Phe (NM_001010986.3, NM_173694.5); c.28-5335C>T (NM_001353810.2, NM_001353811.2); short protein forms S11F.
Identifiers: ClinVar variation 2661537 (VCV002661537.24), dbSNP rs754645272, ClinGen allele CA10531328.